The following is an entry in ClinVar:

NM_000263.4(NAGLU):c.1444C>T (p.Arg482Trp)

Gene: NAGLU (N-acetyl-alpha-glucosaminidase; plus strand). Cytogenetic location: 17q21.2.
Variant type: single nucleotide variant.
Coding change: c.1444C>T on transcript NM_000263.4 (MANE Select); coding-DNA position 1444, C replaced by T.
Protein change: p.Arg482Trp; replaces arginine 482 with tryptophan.
Molecular consequence: missense variant.
Genome position (GRCh38, 1-based): chr17:42,543,450, C>T. VCF-style: chr17-42543450-C-T. GRCh37 (hg19) VCF-style: chr17-40695468-C-T.
Other names: short protein forms R482W.
Identifiers: ClinVar variation 1571 (VCV000001571.20), dbSNP rs104894596, ClinGen allele CA115054.

ClinVar aggregate classification (germline): Pathogenic. Review status: criteria provided, multiple submitters, no conflicts (2 of 4 stars). 11 submissions from 11 submitters: Pathogenic (7). 4 of the submissions do not count toward it. Last evaluated 2025-07-07.

Conditions:
NAGLU-related disorder. Also called: NAGLU-related condition.
Charcot-Marie-Tooth disease axonal type 2V. Also called: CHARCOT-MARIE-TOOTH NEUROPATHY, TYPE 2V; CHARCOT-MARIE-TOOTH DISEASE, AXONAL, AUTOSOMAL DOMINANT, TYPE 2V. Identifiers: Orphanet 447964, MedGen C5569050, MONDO:0014665, OMIM 616491.
Mucopolysaccharidosis, MPS-III-B (MPS3B). Also called: MPS III B; Mucopolysaccharidosis type IIIB (Sanfilippo B); SANFILIPPO SYNDROME B; MUCOPOLYSACCHARIDOSIS, TYPE IIIB; MPS IIIB (Sanfilippo Syndrome Type B); N-ACETYL-ALPHA-D-GLUCOSAMINIDASE DEFICIENCY. Identifiers: Orphanet 79270, MedGen C0086648, MONDO:0009656, OMIM 252920.

Allele frequency attached by ClinVar (database versions not stated): TOPMed 0.00001; ExAC 0.00003; gnomAD 0.00001; gnomAD exomes 0.00003.

Submissions (11):

Natera, Inc.
Classification: Pathogenic for Mucopolysaccharidosis type IIIB. Last evaluated: 2025-07-07. Review status: criteria provided, single submitter. Criteria: Natera Variant Classification Schema (03/2026). Collection method: clinical testing. Allele origin: germline.
Comment: The c.1444C>T variant in NAGLU is a missense variant predicted to cause substitution of arginine to tryptophan at amino acid 482. This variant is rare in the general population with a frequency below the threshold expected for the associated phenotype(s). This variant has been observed in one or more individuals affected with the associated recessive disease, as either homozygous or compound heterozygous with a second variant (PMID: 16151907, 12202988, 32901917). Functional studies show that this variant may disrupt protein function (PMID: 12202988, 21685203). Computational prediction algorithms indicate this variant is likely to affect gene or protein function. Given the available evidence, this variant is classified as Pathogenic.

Fulgent Genetics
Classification: Pathogenic for Mucopolysaccharidosis, MPS-III-B; Charcot-Marie-Tooth disease axonal type 2V. Last evaluated: 2024-05-23. Review status: criteria provided, single submitter. Criteria: ACMG Guidelines, 2015. Collection method: clinical testing. Allele origin: germline.

Labcorp Genetics (formerly Invitae), Labcorp
Classification: Pathogenic for Charcot-Marie-Tooth disease axonal type 2V; Mucopolysaccharidosis, MPS-III-B. Last evaluated: 2024-03-25. Review status: criteria provided, single submitter. Criteria: Invitae Variant Classification Sherloc (09022015). Collection method: clinical testing. Allele origin: germline.
Comment: This sequence change replaces arginine, which is basic and polar, with tryptophan, which is neutral and slightly polar, at codon 482 of the NAGLU protein (p.Arg482Trp). The frequency data for this variant in the population databases is considered unreliable, as metrics indicate poor data quality at this position in the gnomAD database. This missense change has been observed in individual(s) with MPS IIIB (PMID: 9950362, 12202988, 16151907, 16447797, 23667853, 28018442). ClinVar contains an entry for this variant (Variation ID: 1571). Advanced modeling of protein sequence and biophysical properties (such as structural, functional, and spatial information, amino acid conservation, physicochemical variation, residue mobility, and thermodynamic stability) performed at Invitae indicates that this missense variant is expected to disrupt NAGLU protein function with a positive predictive value of 80%. For these reasons, this variant has been classified as Pathogenic.

Neuberg Centre For Genomic Medicine, NCGM
Classification: Pathogenic for Mucopolysaccharidosis, MPS-III-B. Last evaluated: 2023-02-14. Review status: criteria provided, single submitter. Criteria: ACMG Guidelines, 2015. Collection method: clinical testing. Allele origin: germline. Inheritance: Autosomal recessive inheritance. Affected: yes.
Comment: The missense c.1444C>T(p.Arg482Trp) variant in NAGLU gene has been reported previously in homozygous and compound heterozygous states in multiple individuals affected with Mucopolysaccharidosis IIIB (Kim JH, et. al., 2016; Tanaka A, et. al.,2002). The p.Arg482Trp variant has been reported with allele frequency of 0.003% in gnomAD Exomes and is novel (not in any individuals) in 1000 Genomes. This variant has been reported to the ClinVar database as Likely Pathogenic / Pathogenic (multiple submissions). The amino acid change p.Arg482Trp in NAGLU is predicted as conserved by GERP++ and PhyloP across 100 vertebrates. The amino acid Arg at position 482 is changed to a Trp changing protein sequence and it might alter its composition and physico-chemical properties. For these reasons, this variant has been classified Pathogenic.

Blueprint Genetics
Classification: Pathogenic for NAGLU-related disorders. Last evaluated: 2022-09-09. Review status: criteria provided, single submitter. Criteria: ACMG Guidelines, 2015. Collection method: clinical testing. Allele origin: germline. Affected: yes. Observed: 4 variant alleles.

3billion
Classification: Pathogenic for Mucopolysaccharidosis, MPS-III-B. Last evaluated: 2021-10-02. Review status: criteria provided, single submitter. Criteria: ACMG Guidelines, 2015. Collection method: clinical testing. Allele origin: paternal. Affected: yes. Observed: 1 heterozygote.
Comment: Same nucleotide change resulting in same amino acid change has been previously reported as pathogenic/likely pathogeic with strong evidence (ClinVar ID: VCV000001571.4, PS1). It is observed at an extremely low frequency in the gnomAD v2.1.1 dataset (total allele frequency: 0.000027, PM2). The variant was observed in trans with a pathogenic variant (NM_000263.3:c.1694G>C) as compound heterozygous (3billion dataset, PM3). In silico tool predictions suggest damaging effect of the variant on gene or gene product (REVEL: 0.9, 3Cnet: 0.971, PP3). Patient's phenotype is considered compatible with Mucopolysaccharidosis type IIIB (3billion dataset, PP4).Therefore, this variant is classified as pathogenic according to the recommendation of ACMG/AMP guideline.

Genomic Research Center, Shahid Beheshti University of Medical Sciences
Classification: Pathogenic for Mucopolysaccharidosis, MPS-III-B. Last evaluated: 2017-12-03. Review status: criteria provided, single submitter. Criteria: ACMG Guidelines, 2015. Collection method: clinical testing. Allele origin: inherited. Affected: yes.

Counsyl
Classification: Likely pathogenic for Mucopolysaccharidosis, MPS-III-B. Last evaluated: 2018-02-15. Review status: no assertion criteria provided. Collection method: clinical testing. Allele origin: unknown. Not counted in ClinVar's aggregate classification.

OMIM
Classification: Pathogenic for MUCOPOLYSACCHARIDOSIS, TYPE IIIB. Last evaluated: 2002-01-01. Review status: no assertion criteria provided. Collection method: literature only. Allele origin: germline. Not counted in ClinVar's aggregate classification.

Hong-Tao Li Lab, Institute of Brain Science and Brain-inspired Research, Shandong First Medical University & Shandong Academy of Medical Sciences China
Classification: Pathogenic for Mucopolysaccharidosis, MPS-III-B. Review status: no assertion criteria provided. Collection method: research. Allele origin: germline. Inheritance: Autosomal recessive inheritance. Affected: yes. Observed: 1 variant allele, 1 homozygote. Not counted in ClinVar's aggregate classification.
Comment: Observed in affected individuals from a Pakistani neurodevelopmental-disorder research cohort of 263 individuals. Classification assigned using the ACMG/AMP framework. Population-frequency evidence: gnomAD AF 2.718e-05.

Kasturba Medical College, Manipal, Kasturba Medical College, Manipal, Manipal Academy of Higher Education, Manipal, India
Classification: Pathogenic for Mucopolysaccharidosis, MPS-III-B. Review status: no assertion criteria provided. Collection method: clinical testing. Allele origin: germline. Inheritance: Autosomal recessive inheritance. Affected: yes. Not counted in ClinVar's aggregate classification.

Literature cited by the submitters: PubMed 16151907 (cited by 3 submitters); PubMed 12202988 (cited by 4 submitters); PubMed 32901917 (cited by Natera, Inc.); PubMed 21685203 (cited by Natera, Inc.); PubMed 9950362 (cited by Labcorp Genetics (formerly Invitae), Labcorp); PubMed 16447797 (cited by Labcorp Genetics (formerly Invitae), Labcorp); PubMed 23667853 (cited by Labcorp Genetics (formerly Invitae), Labcorp and Counsyl); PubMed 28018442 (cited by Labcorp Genetics (formerly Invitae), Labcorp); PubMed 21204211 (cited by Counsyl).